The following is an entry in ClinVar:

ClinVar aggregate classification (germline): Uncertain significance (1 of 4 stars; one submission).

Allele frequency attached by ClinVar (database versions not stated): gnomAD exomes below 0.00001; TOPMed 0.00003.
gnomAD v4.1: 1 of 1,613,672 alleles (0.000062%); highest among the groups gnomAD compares: African/African-American, 0.0013%; no homozygotes.

Submission:

Labcorp Genetics (formerly Invitae), Labcorp
Classification: Uncertain significance. Last evaluated: 2022-07-05. Review status: criteria provided, single submitter. Criteria: Invitae Variant Classification Sherloc (09022015). Collection method: clinical testing. Allele origin: germline.
Comment: Experimental studies and prediction algorithms are not available or were not evaluated, and the functional significance of this variant is currently unknown. ClinVar contains an entry for this variant (Variation ID: 1447234). This variant has not been reported in the literature in individuals affected with REEP6-related conditions. This variant is not present in population databases (gnomAD no frequency). This sequence change replaces tyrosine, which is neutral and polar, with cysteine, which is neutral and slightly polar, at codon 65 of the REEP6 protein (p.Tyr65Cys). In summary, the available evidence is currently insufficient to determine the role of this variant in disease. Therefore, it has been classified as a Variant of Uncertain Significance.

NM_138393.4(REEP6):c.194A>G (p.Tyr65Cys)

Gene: REEP6 (receptor accessory protein 6; plus strand). Cytogenetic location: 19p13.3.
Variant type: single nucleotide variant.
Coding change: c.194A>G on transcript NM_138393.4 (MANE Select); coding-DNA position 194, A replaced by G.
Protein change: p.Tyr65Cys; replaces tyrosine 65 with cysteine.
Molecular consequence: missense variant.
Genome position (GRCh38, 1-based): chr19:1,495,372, A>G. VCF-style: chr19-1495372-A-G. GRCh37 (hg19) VCF-style: chr19-1495371-A-G.
Other names: c.194A>G, p.Tyr65Cys (NM_001329556.3); short protein forms Y65C.
Identifiers: ClinVar variation 1447234 (VCV001447234.6), dbSNP rs2084997157, ClinGen allele CA403056516.
Genomic context (GRCh38, chr19:1,495,372, plus strand): 5'-GCCTGTATCTGCTGTTCGGCTACGGAGCGTCTCTGCTGTGCAATCTCATCGGATTTGTGT[A>G]CCCCGCATATGCCTCGTGAGTGCACGGCTGGCTGCCCACGCGGGGGGTTCTGGGGGCTCC-3'
Protein context (NP_612402.1, residues 55-75): SLLCNLIGFV[Tyr65Cys]PAYASIKAIE